The following is an entry in ClinVar:

ClinVar aggregate classification (germline): Uncertain significance (1 of 4 stars; one submission).

Conditions:
BAP1-related tumor predisposition syndrome (TPDS1). Also called: Tumor susceptibility linked to germline BAP1 mutations; COMMON Syndrome; TUMOR PREDISPOSITION SYNDROME 1; BAP1 tumor predisposition syndrome. Identifiers: Orphanet 289539, MedGen C3280492, MONDO:0013692, OMIM 614327.

gnomAD v4.1: 3 of 1,613,976 alleles (0.00019%); highest among the groups gnomAD compares: Non-Finnish European, 0.00025%; no homozygotes.

Submission:

Labcorp Genetics (formerly Invitae), Labcorp
Classification: Uncertain significance for BAP1-related tumor predisposition syndrome. Last evaluated: 2024-02-28. Review status: criteria provided, single submitter. Criteria: Invitae Variant Classification Sherloc (09022015). Collection method: clinical testing. Allele origin: germline.
Comment: This sequence change replaces threonine, which is neutral and polar, with lysine, which is basic and polar, at codon 559 of the BAP1 protein (p.Thr559Lys). This variant is present in population databases (no rsID available, gnomAD 0.0009%). This variant has not been reported in the literature in individuals affected with BAP1-related conditions. Advanced modeling of protein sequence and biophysical properties (such as structural, functional, and spatial information, amino acid conservation, physicochemical variation, residue mobility, and thermodynamic stability) performed at Invitae indicates that this missense variant is not expected to disrupt BAP1 protein function with a negative predictive value of 80%. In summary, the available evidence is currently insufficient to determine the role of this variant in disease. Therefore, it has been classified as a Variant of Uncertain Significance.

NM_004656.4(BAP1):c.1676C>A (p.Thr559Lys)

Gene: BAP1 (BRCA1 associated deubiquitinase 1; minus strand). Cytogenetic location: 3p21.1.
Variant type: single nucleotide variant.
Coding change: c.1676C>A on transcript NM_004656.4 (MANE Select); coding-DNA position 1676, C replaced by A.
Protein change: p.Thr559Lys; replaces threonine 559 with lysine.
Molecular consequence: missense variant.
Genome position (GRCh38, 1-based): chr3:52,403,469, G>T on the plus strand (C>A on the coding strand, the complement: BAP1 is on the minus strand). VCF-style: chr3-52403469-G-T. GRCh37 (hg19) VCF-style: chr3-52437485-G-T.
Other names: c.1622C>A, p.Thr541Lys (NM_001410772.1); short protein forms T541K, T559K.
Identifiers: ClinVar variation 3680066 (VCV003680066.2).